The following is an entry in ClinVar:

NM_000465.4(BARD1):c.1777A>G (p.Lys593Glu)

Gene: BARD1 (BRCA1 associated RING domain 1; minus strand). Cytogenetic location: 2q35.
Variant type: single nucleotide variant.
Coding change: c.1777A>G on transcript NM_000465.4 (MANE Select); coding-DNA position 1777, A replaced by G.
Protein change: p.Lys593Glu; replaces lysine 593 with glutamic acid.
Molecular consequence: missense variant. On other transcripts: non-coding transcript variant (3), intron variant (1).
Genome position (GRCh38, 1-based): chr2:214,745,755, T>C on the plus strand (A>G on the coding strand, the complement: BARD1 is on the minus strand). VCF-style: chr2-214745755-T-C. GRCh37 (hg19) VCF-style: chr2-215610479-T-C.
Other names: c.1720A>G, p.Lys574Glu (NM_001282543.2); c.424A>G, p.Lys142Glu (NM_001282545.2); c.367A>G, p.Lys123Glu (NM_001282548.2); c.365-15247A>G (NM_001282549.2); c.1777A>G (NM_000465.2); short protein forms K123E, K142E, K574E, K593E.
Identifiers: ClinVar variation 1040169 (VCV001040169.10), dbSNP rs1693076059, ClinGen allele CA350452738.

ClinVar aggregate classification (germline): Uncertain significance. Review status: criteria provided, multiple submitters, no conflicts (2 of 4 stars). 2 submissions from 2 submitters: Uncertain significance (2). Last evaluated 2026-07-07.

Conditions:
Familial cancer of breast. Also called: Hereditary breast cancer; hereditary breast carcinoma; BREAST CANCER, FAMILIAL. Identifiers: Orphanet 227535, MedGen C0346153, MONDO:0016419, OMIM 114480. Disease mechanism: loss of function.
Hereditary cancer-predisposing syndrome. Also called: Tumor predisposition; Hereditary Cancer Syndrome; Hereditary neoplastic syndrome; Neoplastic Syndromes, Hereditary. Identifiers: Orphanet 140162, MedGen C0027672, MeSH D009386, MONDO:0015356.

Submissions (2):

Ambry Genetics
Classification: Uncertain significance for Hereditary cancer-predisposing syndrome. Last evaluated: 2026-07-07. Review status: criteria provided, single submitter. Criteria: Ambry Variant Classification Scheme 2023. Collection method: clinical testing. Allele origin: germline.
Comment: The p.K593E variant (also known as c.1777A>G), located in coding exon 8 of the BARD1 gene, results from an A to G substitution at nucleotide position 1777. The lysine at codon 593 is replaced by glutamic acid, an amino acid with similar properties. This amino acid position is conserved. In addition, the in silico prediction for this alteration is inconclusive. Based on the available evidence, the clinical significance of this variant remains unclear.

Labcorp Genetics (formerly Invitae), Labcorp
Classification: Uncertain significance for Familial cancer of breast. Last evaluated: 2023-09-11. Review status: criteria provided, single submitter. Criteria: Invitae Variant Classification Sherloc (09022015). Collection method: clinical testing. Allele origin: germline.
Comment: An algorithm developed to predict the effect of missense changes on protein structure and function (PolyPhen-2) suggests that this variant is likely to be disruptive. In summary, the available evidence is currently insufficient to determine the role of this variant in disease. Therefore, it has been classified as a Variant of Uncertain Significance. ClinVar contains an entry for this variant (Variation ID: 1040169). This sequence change replaces lysine, which is basic and polar, with glutamic acid, which is acidic and polar, at codon 593 of the BARD1 protein (p.Lys593Glu). This variant is not present in population databases (gnomAD no frequency). This variant has not been reported in the literature in individuals affected with BARD1-related conditions.